The following is an entry in ClinVar:

ClinVar aggregate classification (germline): Uncertain significance. Review status: criteria provided, multiple submitters, no conflicts (2 of 4 stars). 6 submissions from 6 submitters: Uncertain significance (5). 1 of the submissions does not count toward it. Last evaluated 2025-04-03.

Conditions:
TULP1-related disorder. Also called: TULP1-related condition; TULP1-related disorders.
Retinal dystrophy. Also called: Inherited retinal dystrophy. Identifiers: Orphanet 71862, MedGen C0854723, MeSH D058499, MONDO:0019118, HP:0000556.
Inborn genetic diseases. Identifiers: MedGen C0950123, MeSH D030342.

Allele frequency attached by ClinVar (database versions not stated): ExAC 0.00004; gnomAD exomes 0.00007; ESP Exome Variant Server 0.00008; TOPMed 0.00008; gnomAD 0.00011 and 0.00012; 1000 Genomes Project 30x 0.00016; 1000 Genomes Project 0.00020.
gnomAD v4.1: 145 of 1,614,012 alleles (0.009%); highest among the groups gnomAD compares: Middle Eastern, 0.05%; no homozygotes.

Submissions (6):

Ambry Genetics
Classification: Uncertain significance for Inborn genetic diseases. Last evaluated: 2025-04-03. Review status: criteria provided, single submitter. Criteria: Ambry Variant Classification Scheme 2023. Collection method: clinical testing. Allele origin: germline.

Blueprint Genetics
Classification: Uncertain significance. Last evaluated: 2024-05-24. Review status: criteria provided, single submitter. Criteria: ACMG Guidelines, 2015. Collection method: clinical testing. Allele origin: germline.

Dept Of Ophthalmology, Nagoya University
Classification: Uncertain significance for Retinal dystrophy. Last evaluated: 2023-10-01. Review status: criteria provided, single submitter. Criteria: Submitter's publication. Collection method: research. Allele origin: germline. Affected: yes.

Labcorp Genetics (formerly Invitae), Labcorp
Classification: Uncertain significance. Last evaluated: 2022-08-11. Review status: criteria provided, single submitter. Criteria: Invitae Variant Classification Sherloc (09022015). Collection method: clinical testing. Allele origin: germline.
Comment: This sequence change replaces glycine, which is neutral and non-polar, with serine, which is neutral and polar, at codon 445 of the TULP1 protein (p.Gly445Ser). This variant is present in population databases (rs181172036, gnomAD 0.01%). This variant has not been reported in the literature in individuals affected with TULP1-related conditions. ClinVar contains an entry for this variant (Variation ID: 374739). Algorithms developed to predict the effect of missense changes on protein structure and function are either unavailable or do not agree on the potential impact of this missense change (SIFT: "Not Available"; PolyPhen-2: "Probably Damaging"; Align-GVGD: "Not Available"). In summary, the available evidence is currently insufficient to determine the role of this variant in disease. Therefore, it has been classified as a Variant of Uncertain Significance.

CeGaT Center for Human Genetics Tuebingen
Classification: Uncertain significance. Last evaluated: 2021-05-01. Review status: criteria provided, single submitter. Criteria: CeGaT Center For Human Genetics Tuebingen Variant Classification Criteria Version 2. Collection method: clinical testing. Allele origin: germline. Affected: yes. Observed: 2 variant alleles.

PreventionGenetics, part of Exact Sciences
Classification: Uncertain significance for TULP1-related condition. Last evaluated: 2024-07-25. Review status: no assertion criteria provided. Collection method: clinical testing. Allele origin: germline. Not counted in ClinVar's aggregate classification.
Comment: The TULP1 c.1333G>A variant is predicted to result in the amino acid substitution p.Gly445Ser. To our knowledge, this variant has not been reported in the literature. This variant is reported in 0.012% of alleles in individuals of European (Non-Finnish) descent in gnomAD. At this time, the clinical significance of this variant is uncertain due to the absence of conclusive functional and genetic evidence.

NM_003322.6(TULP1):c.1333G>A (p.Gly445Ser)

Gene: TULP1 (TUB like protein 1; minus strand). Cytogenetic location: 6p21.31.
Variant type: single nucleotide variant.
Coding change: c.1333G>A on transcript NM_003322.6 (MANE Select); coding-DNA position 1333, G replaced by A.
Protein change: p.Gly445Ser; replaces glycine 445 with serine.
Molecular consequence: missense variant.
Genome position (GRCh38, 1-based): chr6:35,500,143, C>T on the plus strand (G>A on the coding strand, the complement: TULP1 is on the minus strand). VCF-style: chr6-35500143-C-T. GRCh37 (hg19) VCF-style: chr6-35467920-C-T.
Other names: c.1174G>A, p.Gly392Ser (NM_001289395.2); c.1333G>A (NM_003322.5, NM_003322.3); short protein forms G445S, G392S.
Identifiers: ClinVar variation 374739 (VCV000374739.47), dbSNP rs181172036, ClinGen allele CA3772570.
Genomic context (GRCh38, chr6:35,500,143, plus strand): 5'-GCTTGTTGTGCAGTTCTATGAGGCTCTCCAGCGTCTTGTTCTGCCAGCGCACCAGCAGGC[C>T]GTCACTAGCCTGGGGTGCCCCAGGGGAGTAGACAGGGAGAGGACAGTTAGAGATGGCTGA-3'
Protein context (NP_003313.3, residues 435-455): VPIRPRNASD[Gly445Ser]LLVRWQNKTL